The following is an entry in ClinVar:

ClinVar aggregate classification (germline): Uncertain significance (1 of 4 stars; one submission).

Conditions:
AGO2-related disorder. Also called: AGO2-related condition.

Submission:

PreventionGenetics, part of Exact Sciences
Classification: Uncertain significance for AGO2-related condition. Last evaluated: 2023-09-03. Review status: criteria provided, single submitter. Criteria: ACMG Guidelines, 2015. Collection method: clinical testing. Allele origin: germline.
Comment: The AGO2 c.722A>G variant is predicted to result in the amino acid substitution p.Lys241Arg. To our knowledge, this variant has not been reported in the literature or in a large population database, indicating this variant is rare. At this time, the clinical significance of this variant is uncertain due to the absence of conclusive functional and genetic evidence.

NM_012154.5(AGO2):c.722A>G (p.Lys241Arg)

Gene: AGO2 (argonaute RISC catalytic component 2; minus strand). Cytogenetic location: 8q24.3.
Variant type: single nucleotide variant.
Coding change: c.722A>G on transcript NM_012154.5 (MANE Select); coding-DNA position 722, A replaced by G.
Protein change: p.Lys241Arg; replaces lysine 241 with arginine.
Molecular consequence: missense variant.
Genome position (GRCh38, 1-based): chr8:140,559,463, T>C on the plus strand (A>G on the coding strand, the complement: AGO2 is on the minus strand). VCF-style: chr8-140559463-T-C. GRCh37 (hg19) VCF-style: chr8-141569562-T-C.
Other names: c.722A>G, p.Lys241Arg (NM_001164623.3); short protein forms K241R.
Identifiers: ClinVar variation 2630583 (VCV002630583.1), dbSNP rs2549626135, ClinGen allele CA372323274.